The following is an entry in ClinVar:

NM_024675.4(PALB2):c.2145T>C (p.Asp715=)

Gene: PALB2 (partner and localizer of BRCA2; minus strand). Cytogenetic location: 16p12.2.
Variant type: single nucleotide variant.
Coding change: c.2145T>C on transcript NM_024675.4 (MANE Select); coding-DNA position 2145, T replaced by C.
Protein change: p.Asp715=; no amino-acid change (aspartic acid 715 retained).
Molecular consequence: synonymous variant. On other transcripts: intron variant (1).
Genome position (GRCh38, 1-based): chr16:23,630,009, A>G on the plus strand (T>C on the coding strand, the complement: PALB2 is on the minus strand). VCF-style: chr16-23630009-A-G. GRCh37 (hg19) VCF-style: chr16-23641330-A-G.
Other names: c.2085T>C, p.Asp695= (NM_001407296.1); c.2145T>C, p.Asp715= (NM_001407297.1, NM_001407298.1, NM_001407299.1 and 3 more transcripts); c.1260T>C, p.Asp420= (NM_001407304.1, NM_001407305.1, NM_001407306.1 and 5 more transcripts); c.357T>C, p.Asp119= (NM_001407312.1, NM_001407313.1); c.49-734T>C (NM_001407314.1).
Identifiers: ClinVar variation 3903540 (VCV003903540.1).

ClinVar aggregate classification (germline): Benign (1 of 4 stars; one submission).

Conditions:
Familial cancer of breast. Also called: Hereditary breast cancer; hereditary breast carcinoma; BREAST CANCER, FAMILIAL. Identifiers: Orphanet 227535, MedGen C0346153, MONDO:0016419, OMIM 114480. Disease mechanism: loss of function.

Submission:

Myriad Genetics, Inc.
Classification: Benign for Familial cancer of breast. Last evaluated: 2025-01-15. Review status: criteria provided, single submitter. Criteria: Myriad Autosomal Dominant, Autosomal Recessive and X-Linked Classification Criteria (2023). Collection method: clinical testing. Allele origin: unknown.
Comment: This variant is considered benign. This variant is a silent/synonymous amino acid change and it is not expected to impact splicing.